The following is an entry in ClinVar:

NM_001003787.4(STRADA):c.296T>C (p.Val99Ala)

Gene: STRADA (STE20 related adaptor alpha; minus strand). Cytogenetic location: 17q23.3.
Variant type: single nucleotide variant.
Coding change: c.296T>C on transcript NM_001003787.4 (MANE Select); coding-DNA position 296, T replaced by C.
Protein change: p.Val99Ala; replaces valine 99 with alanine.
Molecular consequence: missense variant. On other transcripts: non-coding transcript variant (1).
Genome position (GRCh38, 1-based): chr17:63,713,458, A>G on the plus strand (T>C on the coding strand, the complement: STRADA is on the minus strand). VCF-style: chr17-63713458-A-G. GRCh37 (hg19) VCF-style: chr17-61790818-A-G.
Other names: c.185T>C, p.Val62Ala (NM_001003786.3, NM_001363789.1, NM_153335.6); c.122T>C, p.Val41Ala (NM_001003788.3, NM_001363790.1, NM_001363791.1); c.209T>C, p.Val70Ala (NM_001165969.2, NM_001363787.1); c.164T>C, p.Val55Ala (NM_001165970.2); c.272T>C, p.Val91Ala (NM_001363786.1); c.296T>C, p.Val99Ala (NM_001363788.1); short protein forms V99A, V70A, V91A, V62A, V41A, V55A.
Identifiers: ClinVar variation 468882 (VCV000468882.8), dbSNP rs555623031, ClinGen allele CA292948303.

ClinVar aggregate classification (germline): Uncertain significance (1 of 4 stars; one submission).

Conditions:
Polyhydramnios, megalencephaly, and symptomatic epilepsy (PMSE). Also called: PMSE SYNDROME. Identifiers: Orphanet 500533, MedGen C1970203, MONDO:0012611, OMIM 611087.

Submission:

Labcorp Genetics (formerly Invitae), Labcorp
Classification: Uncertain significance for Polyhydramnios, megalencephaly, and symptomatic epilepsy. Last evaluated: 2023-08-04. Review status: criteria provided, single submitter. Criteria: Invitae Variant Classification Sherloc (09022015). Collection method: clinical testing. Allele origin: germline.
Comment: In summary, the available evidence is currently insufficient to determine the role of this variant in disease. Therefore, it has been classified as a Variant of Uncertain Significance. An algorithm developed to predict the effect of missense changes on protein structure and function (PolyPhen-2) suggests that this variant is likely to be tolerated. ClinVar contains an entry for this variant (Variation ID: 468882). This variant has not been reported in the literature in individuals affected with STRADA-related conditions. This variant is not present in population databases (gnomAD no frequency). This sequence change replaces valine, which is neutral and non-polar, with alanine, which is neutral and non-polar, at codon 99 of the STRADA protein (p.Val99Ala).